The following is an entry in ClinVar:

NM_001205293.3(CACNA1E):c.4644C>G (p.Ile1548Met)

Gene: CACNA1E (calcium voltage-gated channel subunit alpha1 E; plus strand). Cytogenetic location: 1q25.3.
Variant type: single nucleotide variant.
Coding change: c.4644C>G on transcript NM_001205293.3 (MANE Select); coding-DNA position 4644, C replaced by G.
Protein change: p.Ile1548Met; replaces isoleucine 1548 with methionine.
Molecular consequence: missense variant.
Genome position (GRCh38, 1-based): chr1:181,762,612, C>G. VCF-style: chr1-181762612-C-G. GRCh37 (hg19) VCF-style: chr1-181731748-C-G.
Other names: c.4644C>G, p.Ile1548Met (NM_000721.4); c.4587C>G, p.Ile1529Met (NM_001205294.2); short protein forms I1548M, I1529M.
Identifiers: ClinVar variation 3826621 (VCV003826621.2).

ClinVar aggregate classification (germline): Uncertain significance (1 of 4 stars; one submission).

Conditions:
Inborn genetic diseases. Identifiers: MedGen C0950123, MeSH D030342.

gnomAD v4.1: 1 of 1,610,346 alleles (0.000062%); highest among the groups gnomAD compares: Non-Finnish European, 0.000085%; no homozygotes.

Submission:

Ambry Genetics
Classification: Uncertain significance for Inborn genetic diseases. Last evaluated: 2025-05-13. Review status: criteria provided, single submitter. Criteria: Ambry Variant Classification Scheme 2023. Collection method: clinical testing. Allele origin: germline.
Comment: The c.4644C>G (p.I1548M) alteration is located in exon 33 (coding exon 33) of the CACNA1E gene. This alteration results from a C to G substitution at nucleotide position 4644, causing the isoleucine (I) at amino acid position 1548 to be replaced by a methionine (M). This variant was not reported in population-based cohorts in the Genome Aggregation Database (gnomAD). This amino acid position is highly conserved in available vertebrate species. This missense alteration is located in a region that has a low rate of benign missense variation (Lek, 2016; Firth, 2009). This alteration is predicted to be deleterious by in silico analysis. Based on insufficient or conflicting evidence, the clinical significance of this alteration remains unclear.